The following is an entry in ClinVar:

ClinVar aggregate classification (germline): Uncertain significance (1 of 4 stars; one submission).

Submission:

Labcorp Genetics (formerly Invitae), Labcorp
Classification: Uncertain significance. Last evaluated: 2022-08-23. Review status: criteria provided, single submitter. Criteria: Invitae Variant Classification Sherloc (09022015). Collection method: clinical testing. Allele origin: germline.
Comment: In summary, the available evidence is currently insufficient to determine the role of this variant in disease. Therefore, it has been classified as a Variant of Uncertain Significance. Algorithms developed to predict the effect of missense changes on protein structure and function are either unavailable or do not agree on the potential impact of this missense change (SIFT: "Deleterious"; PolyPhen-2: "Probably Damaging"; Align-GVGD: "Class C15"). ClinVar contains an entry for this variant (Variation ID: 936954). This variant has not been reported in the literature in individuals affected with MSH3-related conditions. This variant is not present in population databases (gnomAD no frequency). This sequence change replaces glycine, which is neutral and non-polar, with valine, which is neutral and non-polar, at codon 389 of the MSH3 protein (p.Gly389Val).

NM_002439.5(MSH3):c.1166G>T (p.Gly389Val)

Gene: MSH3 (mutS homolog 3; plus strand). Cytogenetic location: 5q14.1.
Variant type: single nucleotide variant.
Coding change: c.1166G>T on transcript NM_002439.5 (MANE Select); coding-DNA position 1166, G replaced by T.
Protein change: p.Gly389Val; replaces glycine 389 with valine.
Molecular consequence: missense variant.
Genome position (GRCh38, 1-based): chr5:80,675,121, G>T. VCF-style: chr5-80675121-G-T. GRCh37 (hg19) VCF-style: chr5-79970940-G-T.
Other names: short protein forms G389V.
Identifiers: ClinVar variation 936954 (VCV000936954.9), dbSNP rs1749812234, ClinGen allele CA360268404.